The following is an entry in ClinVar:

NM_004006.3(DMD):c.4834G>T (p.Ala1612Ser)

Gene: DMD (dystrophin; minus strand). Cytogenetic location: Xp21.1.
Variant type: single nucleotide variant.
Coding change: c.4834G>T on transcript NM_004006.3 (MANE Select); coding-DNA position 4834, G replaced by T.
Protein change: p.Ala1612Ser; replaces alanine 1612 with serine.
Molecular consequence: missense variant.
Genome position (GRCh38, 1-based): chrX:32,380,521, C>A on the plus strand (G>T on the coding strand, the complement: DMD is on the minus strand). VCF-style: chrX-32380521-C-A. GRCh37 (hg19) VCF-style: chrX-32398638-C-A.
Other names: c.4810G>T, p.Ala1604Ser (NM_000109.4); c.4822G>T, p.Ala1608Ser (NM_004009.3); c.4465G>T, p.Ala1489Ser (NM_004010.3); c.811G>T, p.Ala271Ser (NM_004011.4); c.802G>T, p.Ala268Ser (NM_004012.4); short protein forms A1604S, A1612S, A271S, A1489S, A1608S, A268S.
Identifiers: ClinVar variation 3730169 (VCV003730169.3).

ClinVar aggregate classification (germline): Uncertain significance. Review status: criteria provided, multiple submitters, no conflicts (2 of 4 stars). 2 submissions from 2 submitters: Uncertain significance (2). Last evaluated 2025-09-03.

Conditions:
Duchenne muscular dystrophy (DMD). Also called: Duchenne Muscular Dystrophy (DMD); MUSCULAR DYSTROPHY, PSEUDOHYPERTROPHIC PROGRESSIVE, DUCHENNE TYPE. Identifiers: Orphanet 98896, MedGen C0013264, MONDO:0010679, OMIM 310200.

Submissions (2):

Labcorp Genetics (formerly Invitae), Labcorp
Classification: Uncertain significance for Duchenne muscular dystrophy. Last evaluated: 2025-09-03. Review status: criteria provided, single submitter. Criteria: Invitae Variant Classification Sherloc (09022015). Collection method: clinical testing. Allele origin: germline.
Comment: This sequence change replaces alanine, which is neutral and non-polar, with serine, which is neutral and polar, at codon 1612 of the DMD protein (p.Ala1612Ser). This variant is not present in population databases (gnomAD no frequency). This variant has not been reported in the literature in individuals affected with DMD-related conditions. ClinVar contains an entry for this variant (Variation ID: 3730169). Invitae Evidence Modeling of protein sequence and biophysical properties (such as structural, functional, and spatial information, amino acid conservation, physicochemical variation, residue mobility, and thermodynamic stability) indicates that this missense variant is not expected to disrupt DMD protein function with a negative predictive value of 95%. In summary, the available evidence is currently insufficient to determine the role of this variant in disease. Therefore, it has been classified as a Variant of Uncertain Significance.

Revvity Omics, Revvity
Classification: Uncertain significance. Last evaluated: 2023-10-31. Review status: criteria provided, single submitter. Criteria: ACMG Guidelines, 2015. Collection method: clinical testing. Allele origin: germline.